The following continues an entry in ClinVar:

NM_000277.3(PAH):c.1139C>T (p.Thr380Met)

Gene: PAH. ClinVar aggregate classification (germline): Pathogenic. Pathogenic (1).

Submissions 23 to 39 of 39:

Genomic Research Center, Shahid Beheshti University of Medical Sciences
Classification: Likely pathogenic for Phenylketonuria. Last evaluated: 2020-05-03. Review status: criteria provided, single submitter. Criteria: ACMG Guidelines, 2015. Collection method: clinical testing. Allele origin: unknown. Affected: yes. Not counted in ClinVar's aggregate classification.

GeneDx
Classification: Pathogenic. Last evaluated: 2019-12-30. Review status: criteria provided, single submitter. Criteria: GeneDx Variant Classification Process June 2021. Collection method: clinical testing. Allele origin: germline. Affected: yes. Not counted in ClinVar's aggregate classification.
Comment: Functional analysis demonstrates that T380M is associated with 38% of wildtype PAH enzyme activity (Heintz et al., 2012); This variant is associated with the following publications: (PMID: 26990548, 23500595, 23792259, 31355225, 12655544, 17935162, 25087612, 25333069, 8268925, 27620137, 22698810, 30337205, 30747360, 29731766, 31980526, 30275481, 31589614, 32668217)

Fulgent Genetics
Classification: Pathogenic for Phenylketonuria. Last evaluated: 2018-10-31. Review status: criteria provided, single submitter. Criteria: ACMG Guidelines, 2015. Collection method: clinical testing. Allele origin: unknown. Not counted in ClinVar's aggregate classification.

Equipe Genetique des Anomalies du Developpement, Université de Bourgogne
Classification: Pathogenic for Phenylketonuria. Last evaluated: 2018-10-17. Review status: criteria provided, single submitter. Criteria: ACMG Guidelines, 2015. Collection method: clinical testing. Allele origin: paternal. Affected: yes. Not counted in ClinVar's aggregate classification.

Illumina Laboratory Services, Illumina
Classification: Pathogenic for Phenylketonuria. Last evaluated: 2017-04-27. Review status: criteria provided, single submitter. Criteria: ICSL Variant Classification Criteria 09 May 2019. Collection method: clinical testing. Allele origin: germline. Not counted in ClinVar's aggregate classification.
Comment: The PAH c.1139C>T (p.Thr380Met) missense variant has been reported in at least 14 studies in which it is found in a total of 24 patients with phenylalanine hydroxylase deficiency including in 19 in a compound heterozygous state, and five in a heterozygous state (Guldberg et al. 1993; Zschocke et al. 1994; Zschocke et al. 1995; Kayaalp et al. 1997; Zekanowski et al. 1997; PÃ©rez et al. 1997; Tyfield et al. 1997; Guldberg et al. 1998; Yang et al. 2001; Ho et al. 2014; Liu et al 2015). The p.Thr380Met variant was found in 1.2 - 5% of alleles tested in subsequent studies of PAH deficiency (Desviat et al. 1999; Bercovich et al. 2008; Okano et al. 2011). Control data are unavailable for this variant from these studies, which is reported at a frequency of 0.0007 in the European American population of the Exome Sequencing Project. In functional studies by Heintz et al. (2012), the p.Thr380Met variant enzyme was shown to have a reduced activity of 38% compared to the wild type. This residual activity is consistent with the milder phenotype associated with this variant. The variant created a new exonic splice enhancer resulting in a stronger definition of exon 11 of the PAH gene, having a positive effect on splicing and the inclusion of exon 11. RNA affinity binding and Western blotting analysis showed that the p.Thr380Met variant abolished the normal binding of three splicing factors seen in the wild type. When found with a severe PAH variant, the p.Thr380Met variant is thought be involved in mild elevations of serum phenylalanine. These patients do not require dietary treatment. Based on the collective evidence, the p.Thr380Met variant is classified as pathogenic for phenylalanine hydroxylase deficiency. This variant was observed by ICSL as part of a predisposition screen in an ostensibly healthy population.

Eurofins Ntd Llc (ga)
Classification: Pathogenic. Last evaluated: 2016-08-08. Review status: criteria provided, single submitter. Criteria: EGL Classification Definitions 2015. Collection method: clinical testing. Allele origin: germline. Observed: 9 variant alleles, 9 heterozygotes. Not counted in ClinVar's aggregate classification.

Clinical Genetics DNA and cytogenetics Diagnostics Lab, Erasmus MC, Erasmus Medical Center
Classification: Likely pathogenic for Phenylketonuria. Last evaluated: 2016-07-26. Review status: criteria provided, single submitter. Criteria: ACGS Guidelines, 2013. Collection method: clinical testing. Allele origin: germline. Affected: yes. Study: VKGL Data-share Consensus. Not counted in ClinVar's aggregate classification.

Genome Diagnostics Laboratory, University Medical Center Utrecht
Classification: Pathogenic for Phenylketonuria. Last evaluated: 2014-10-08. Review status: criteria provided, single submitter. Criteria: ACGS Guidelines, 2013. Collection method: clinical testing. Allele origin: germline. Affected: yes. Study: VKGL Data-share Consensus. Not counted in ClinVar's aggregate classification.

Institute for Medical Genetics and Human Genetics, Charité - Universitätsmedizin Berlin
Classification: Pathogenic for Phenylketonuria. Review status: criteria provided, single submitter. Criteria: ACMG Guidelines, 2015. Collection method: not provided. Allele origin: germline. Affected: yes. Not counted in ClinVar's aggregate classification.

Juno Genomics, Hangzhou Juno Genomics, Inc
Classification: Pathogenic for Phenylketonuria. Review status: criteria provided, single submitter. Criteria: ACMG Guidelines, 2015. Collection method: clinical testing. Allele origin: germline. Affected: yes. Not counted in ClinVar's aggregate classification.
Comment: Well-established in vitro or in vivo functional studies supportive of a damaging effect on the gene or gene product.;For recessive disorders, detected in trans with a pathogenic variant.;Patient's phenotype or family history is highly specific for a disease with a single genetic etiology.

Kariminejad - Najmabadi Pathology & Genetics Center
Classification: Pathogenic for Phenylketonuria. Review status: criteria provided, single submitter. Criteria: ACMG Guidelines, 2015. Collection method: clinical testing. Allele origin: germline. Affected: no. Not counted in ClinVar's aggregate classification.

Division of Human Genetics, Children's Hospital of Philadelphia
Classification: Pathogenic for Phenylketonuria. Last evaluated: 2016-05-19. Review status: no assertion criteria provided. Collection method: research. Allele origin: germline. Study: CSER-PediSeq. Not counted in ClinVar's aggregate classification.

OMIM
Classification: Pathogenic for HYPERPHENYLALANINEMIA, NON-PKU. Last evaluated: 1994-01-01. Review status: no assertion criteria provided. Collection method: literature only. Allele origin: germline. Not counted in ClinVar's aggregate classification.

DeBelle Laboratory for Biochemical Genetics, MUHC/MCH RESEARCH INSTITUTE
No classification provided. Review status: no classification provided. Collection method: not provided. Allele origin: not provided. Not counted in ClinVar's aggregate classification.

Department of Pathology and Laboratory Medicine, Sinai Health System
Classification: Pathogenic for Phenylketonuria. Review status: no assertion criteria provided. Collection method: clinical testing. Allele origin: unknown. Affected: yes. Study: The Canadian Open Genetics Repository (COGR). Not counted in ClinVar's aggregate classification.
Comment: The PAH c.1139C>T (p.Thr380Met) missense variant has been reported in at least 14 studies in which it is found in a total of 24 patients with phenylalanine hydroxylase deficiency including in 19 in a compound heterozygous state, and five in a heterozygous state (Guldberg et al. 1993; Zschocke et al. 1994; Zschocke et al. 1995; Kayaalp et al. 1997; Zekanowski et al. 1997; PâˆšÃ‰Â¬Â©rez et al. 1997; Tyfield et al. 1997; Guldberg et al. 1998; Yang et al. 2001; Ho et al. 2014; Liu et al 2015). The p.Thr380Met variant was found in 1.2 - 5% of alleles tested in subsequent studies of PAH deficiency (Desviat et al. 1999; Bercovich et al. 2008; Okano et al. 2011). Control data are unavailable for this variant from these studies, which is reported at a frequency of 0.0007 in the European American population of the Exome Sequencing Project. In functional studies by Heintz et al. (2012), the p.Thr380Met variant enzyme was shown to have a reduced activity of 38% compared to the wild type. This residual activity is consistent with the milder phenotype associated with this variant. The variant created a new exonic splice enhancer resulting in a stronger definition of exon 11 of the PAH gene, having a positive effect on splicing and the inclusion of exon 11. RNA affinity binding and Western blotting analysis showed that the p.Thr380Met variant abolished the normal binding of three splicing factors seen in the wild type. When found with a severe PAH variant, the p.Thr380Met variant is thought be involved in mild elevations of serum phenylalanine. These patients do not require dietary treatment. The variant was identified in dbSNP (rs62642937) and ClinVar (classified as pathogenic by multiple sources) databases. The variant was identified in control databases in 181 of 282,648 alleles (1 homozygous) at a frequency of 0.04%, and was observed at the highest frequency in the Ashkenazi Jewish population in 10,364 of 282,648 alleles (freq: 0.47%) (Genome Aggregation Database March 6, 2019, v2.1.1). The p.Thr380Met residue is conserved in mammals and computational analyses (MUT Assesor, PolyPhen-2, SIFT, MutationTaster, Revel, FATHMM, MetaLR, DANN) suggest that the variant may impact the protein; however, this information is not predictive enough to assume pathogenicity. The variant occurs outside of the splicing consensus sequence and in silico or computational prediction software programs (Splice AI exome) do not predict a deleterious effect on splicing. Based on the collective evidence, the p.Thr380Met variant is classified as pathogenic for phenylalanine hydroxylase deficiency.Â¬â€

Joint Genome Diagnostic Labs from Nijmegen and Maastricht, Radboudumc and MUMC+
Classification: Likely pathogenic. Review status: no assertion criteria provided. Collection method: clinical testing. Allele origin: germline. Affected: yes. Study: VKGL Data-share Consensus. Not counted in ClinVar's aggregate classification.

Equipe Genetique des Anomalies du Developpement, Université de Bourgogne
Classification: Uncertain significance for Marfanoid habitus and intellectual disability. Review status: flagged submission. Criteria: ACMG Guidelines, 2015. Collection method: research. Allele origin: de novo. Affected: yes. Not counted in ClinVar's aggregate classification.
ClinVar note: Reason: Claim with insufficient supporting evidence

Literature cited by the submitters: PubMed 7981714 (cited by 6 submitters); PubMed 27620137 (cited by 6 submitters); PubMed 8268925 (cited by 8 submitters); PubMed 8533759 (cited by 5 submitters); PubMed 9429153 (cited by 4 submitters); PubMed 10598814 (cited by 3 submitters); PubMed 14722928 (cited by Labcorp Genetics (formerly Invitae), Labcorp and Dasa); PubMed 18299955 (cited by 4 submitters); PubMed 23500595 (cited by 4 submitters); PubMed 26600521 (cited by 4 submitters); PubMed 26666653 (cited by Labcorp Genetics (formerly Invitae), Labcorp and Dasa); PubMed 22698810 (cited by 6 submitters); PubMed 36937954 (cited by Department of Molecular Genetics, Istishari Arab Hospital and Victorian Clinical Genetics Services, Murdoch Childrens Research Institute); PubMed 35281663 (cited by Department of Molecular Genetics, Istishari Arab Hospital and Ambry Genetics); PubMed 33803550 (cited by 3 submitters); PubMed 24368688 (cited by 3 submitters); PubMed 16198137 (cited by Ambry Genetics); PubMed 18294361 (cited by 4 submitters); PubMed 26542770 (cited by Ambry Genetics); PubMed 27121329 (cited by Ambry Genetics and Quest Diagnostics Nichols Institute San Juan Capistrano); PubMed 32906206 (cited by Quest Diagnostics Nichols Institute San Juan Capistrano); PubMed 25333069 (cited by Quest Diagnostics Nichols Institute San Juan Capistrano and Division of Human Genetics, Children's Hospital of Philadelphia); PubMed 25087612 (cited by Quest Diagnostics Nichols Institute San Juan Capistrano and Division of Human Genetics, Children's Hospital of Philadelphia); PubMed 10234516 (cited by Quest Diagnostics Nichols Institute San Juan Capistrano and Illumina Laboratory Services, Illumina); PubMed 21307867 (cited by Quest Diagnostics Nichols Institute San Juan Capistrano and Illumina Laboratory Services, Illumina); PubMed 17935162 (cited by Women's Health and Genetics/Laboratory Corporation of America, LabCorp); PubMed 9634518 (cited by Women's Health and Genetics/Laboratory Corporation of America, LabCorp and Illumina Laboratory Services, Illumina); PubMed 9298832 (cited by Women's Health and Genetics/Laboratory Corporation of America, LabCorp); PubMed 11385716 (cited by Illumina Laboratory Services, Illumina); PubMed 9399896 (cited by Illumina Laboratory Services, Illumina); PubMed 8981952 (cited by Illumina Laboratory Services, Illumina); PubMed 9012412 (cited by Illumina Laboratory Services, Illumina).